The following is an entry in ClinVar:

NM_001130144.3(LTBP3):c.2164C>T (p.Pro722Ser)

Genes: LTBP3 (latent transforming growth factor beta binding protein 3; minus strand), LOC130006030 (ATAC-STARR-seq lymphoblastoid silent region 3533; plus strand). Cytogenetic location: 11q13.1.
Variant type: single nucleotide variant.
Coding change: c.2164C>T on transcript NM_001130144.3 (MANE Select); coding-DNA position 2164, C replaced by T.
Protein change: p.Pro722Ser; replaces proline 722 with serine.
Molecular consequence: missense variant.
Genome position (GRCh38, 1-based): chr11:65,546,864, G>A on the plus strand (C>T on the coding strand, the complement: LTBP3 is on the minus strand). VCF-style: chr11-65546864-G-A. GRCh37 (hg19) VCF-style: chr11-65314335-G-A.
Other names: c.1813C>T, p.Pro605Ser (NM_001164266.1); c.2164C>T, p.Pro722Ser (NM_021070.4); short protein forms P605S, P722S.
Identifiers: ClinVar variation 3014393 (VCV003014393.3), dbSNP rs747999473, ClinGen allele CA6100722.

ClinVar aggregate classification (germline): Uncertain significance (1 of 4 stars; one submission).

Conditions:
Brachyolmia-amelogenesis imperfecta syndrome. Also called: PLATYSPONDYLY WITH AMELOGENESIS IMPERFECTA; Tooth agenesis, selective, 6; Dental anomalies and short stature. Identifiers: Orphanet 2899, MedGen C1832594, MONDO:0011018, OMIM 601216. Disease mechanism: loss of function.

Allele frequency attached by ClinVar (database versions not stated): gnomAD 0.00001; TOPMed below 0.00001; ExAC 0.00001; gnomAD exomes below 0.00001.
gnomAD v4.1: 4 of 1,612,124 alleles (0.00025%); highest among the groups gnomAD compares: Admixed American, 0.0033%; no homozygotes.

Submission:

Labcorp Genetics (formerly Invitae), Labcorp
Classification: Uncertain significance for Brachyolmia-amelogenesis imperfecta syndrome. Last evaluated: 2025-11-10. Review status: criteria provided, single submitter. Criteria: Invitae Variant Classification Sherloc (09022015). Collection method: clinical testing. Allele origin: germline.
Comment: This sequence change replaces proline, which is neutral and non-polar, with serine, which is neutral and polar, at codon 722 of the LTBP3 protein (p.Pro722Ser). The frequency data for this variant in the population databases is considered unreliable, as metrics indicate poor data quality at this position in the gnomAD database. This variant has not been reported in the literature in individuals affected with LTBP3-related conditions. ClinVar contains an entry for this variant (Variation ID: 3014393). An algorithm developed to predict the effect of missense changes on protein structure and function (PolyPhen-2) suggests that this variant is likely to be disruptive. In summary, the available evidence is currently insufficient to determine the role of this variant in disease. Therefore, it has been classified as a Variant of Uncertain Significance.